The following is an entry in ClinVar:

NM_001197104.2(KMT2A):c.3461G>A (p.Arg1154Gln)

Gene: KMT2A (lysine methyltransferase 2A; plus strand). Cytogenetic location: 11q23.3.
Variant type: single nucleotide variant.
Coding change: c.3461G>A on transcript NM_001197104.2 (MANE Select); coding-DNA position 3461, G replaced by A.
Protein change: p.Arg1154Gln; replaces arginine 1154 with glutamine.
Molecular consequence: missense variant.
Genome position (GRCh38, 1-based): chr11:118,478,093, G>A. VCF-style: chr11-118478093-G-A. GRCh37 (hg19) VCF-style: chr11-118348808-G-A.
Other names: c.3461G>A, p.Arg1154Gln (NM_005933.4); short protein forms R1154Q.
Identifiers: ClinVar variation 430144 (VCV000430144.18), dbSNP rs1131691799, ClinGen allele CA382824780.

ClinVar aggregate classification (germline): Pathogenic/Likely pathogenic. Review status: criteria provided, multiple submitters, no conflicts (2 of 4 stars). 7 submissions from 7 submitters: Pathogenic (5); Likely pathogenic (1). 1 of the submissions does not count toward it. Last evaluated 2026-01-26.

Conditions:
KMT2A-related disorder. Also called: KMT2A-related condition.
Wiedemann-Steiner syndrome (WDSTS). Also called: Growth deficiency and mental retardation with facial dysmorphism. Identifiers: Orphanet 319182, MedGen C1854630, MONDO:0011518, OMIM 605130.
Inborn genetic diseases. Identifiers: MedGen C0950123, MeSH D030342.

Submissions (7):

3billion
Classification: Pathogenic for Wiedemann-Steiner syndrome. Last evaluated: 2026-01-26. Review status: criteria provided, single submitter. Criteria: ACMG Guidelines, 2015. Collection method: clinical testing. Allele origin: germline. Affected: yes.
Comment: The variant is not observed in the gnomAD v4.1.0 dataset. Predicted Consequence/Location: Missense variant. Missense changes are a common disease-causing mechanism. In silico tool predictions suggest damaging effect of the variant on gene or gene product [REVEL: 0.68 (>=0.6, sensitivity 0.68 and specificity 0.92); 3Cnet: 0.99 (> 0.75, sensitivity 0.96 and precision 0.92)]. The same nucleotide change resulting in the same amino acid change has been previously reported as pathogenic/likely pathogenic with strong evidence (ClinVar ID: VCV000430144 /PMID: 30315573). The variant has been previously reported as de novo in a similarly affected individual (PMID: 30315573). Different missense changes at the same codon (p.Arg1154Leu, p.Arg1154Trp) have been reported as pathogenic/likely pathogenic with strong evidence (ClinVar ID: VCV000431895, VCV004532215 /PMID: 29203834 /3billion dataset). Therefore, this variant is classified as Pathogenic according to the recommendation of ACMG/AMP guideline.

Labcorp Genetics (formerly Invitae), Labcorp
Classification: Pathogenic. Last evaluated: 2023-09-30. Review status: criteria provided, single submitter. Criteria: Invitae Variant Classification Sherloc (09022015). Collection method: clinical testing. Allele origin: germline.
Comment: This variant disrupts the p.Arg1154 amino acid residue in KMT2A. Other variant(s) that disrupt this residue have been determined to be pathogenic (PMID: 29203834, 29574747, 33043602). This suggests that this residue is clinically significant, and that variants that disrupt this residue are likely to be disease-causing. For these reasons, this variant has been classified as Pathogenic. Advanced modeling of protein sequence and biophysical properties (such as structural, functional, and spatial information, amino acid conservation, physicochemical variation, residue mobility, and thermodynamic stability) performed at Invitae indicates that this missense variant is expected to disrupt KMT2A protein function. ClinVar contains an entry for this variant (Variation ID: 430144). This missense change has been observed in individual(s) with clinical features of Cornelia de Lange syndrome (PMID: 30315573). In at least one individual the variant was observed to be de novo. This variant is not present in population databases (gnomAD no frequency). This sequence change replaces arginine, which is basic and polar, with glutamine, which is neutral and polar, at codon 1154 of the KMT2A protein (p.Arg1154Gln).

Mendelics
Classification: Pathogenic for Wiedemann-Steiner syndrome. Last evaluated: 2022-05-04. Review status: criteria provided, single submitter. Criteria: Mendelics Assertion Criteria 2019. Collection method: clinical testing. Allele origin: germline.

GeneDx
Classification: Pathogenic. Last evaluated: 2022-01-21. Review status: criteria provided, single submitter. Criteria: GeneDx Variant Classification Process June 2021. Collection method: clinical testing. Allele origin: germline. Affected: yes.
Comment: Not observed at significant frequency in large population cohorts (gnomAD); In silico analysis, which includes protein predictors and evolutionary conservation, supports a deleterious effect; This variant is associated with the following publications: (PMID: 30315573)

Blueprint Genetics
Classification: Likely pathogenic for KMT2A-related disorders. Last evaluated: 2021-11-22. Review status: criteria provided, single submitter. Criteria: ACMG Guidelines, 2015. Collection method: clinical testing. Allele origin: germline. Affected: yes. Observed: 2 variant alleles.

Ambry Genetics
Classification: Pathogenic for Inborn genetic diseases. Last evaluated: 2016-05-04. Review status: criteria provided, single submitter. Criteria: Ambry exome assertion method (8-5-2015). Collection method: clinical testing. Allele origin: germline. Affected: yes. Observed: 1 variant allele.

Genetic Services Laboratory, University of Chicago
Classification: Uncertain significance. Last evaluated: 2016-07-11. Review status: flagged submission. Criteria: ACMG Guidelines, 2015. Collection method: clinical testing. Allele origin: germline. Affected: no. Not counted in ClinVar's aggregate classification.
ClinVar note: Reason: Older and outlier claim with insufficient supporting evidence

Literature cited by the submitters: PubMed 29203834 (cited by 3billion and Labcorp Genetics (formerly Invitae), Labcorp); PubMed 30315573 (cited by 3billion and Labcorp Genetics (formerly Invitae), Labcorp); PubMed 29574747 (cited by Labcorp Genetics (formerly Invitae), Labcorp); PubMed 33043602 (cited by Labcorp Genetics (formerly Invitae), Labcorp).